The following is an entry in ClinVar:

NM_000404.4(GLB1):c.890T>G (p.Leu297Arg)

Gene: GLB1 (galactosidase beta 1; minus strand). Cytogenetic location: 3p22.3.
Variant type: single nucleotide variant.
Coding change: c.890T>G on transcript NM_000404.4 (MANE Select); coding-DNA position 890, T replaced by G.
Protein change: p.Leu297Arg; replaces leucine 297 with arginine.
Molecular consequence: missense variant.
Genome position (GRCh38, 1-based): chr3:33,051,907, A>C on the plus strand (T>G on the coding strand, the complement: GLB1 is on the minus strand). VCF-style: chr3-33051907-A-C. GRCh37 (hg19) VCF-style: chr3-33093399-A-C.
Other names: c.800T>G, p.Leu267Arg (NM_001079811.3); c.497T>G, p.Leu166Arg (NM_001135602.3); c.1034T>G, p.Leu345Arg (NM_001317040.2); c.890T>G, p.Leu297Arg (NM_001393580.1); c.890T>G (NM_000404.2); short protein forms L166R, L267R, L297R, L345R.
Identifiers: ClinVar variation 3767249 (VCV003767249.3).
Genomic context (GRCh38, chr3:33,051,907, plus strand): 5'-CTGAGGGCACCCTCCCCTCAGGCAATGAACACTCACAAGTTCACACTCGCCCCACGGGCA[A>C]GTATATCATAGAGGGAGGAAGCCACTGCTTCGGTCTTGATTGTGGAGTGAGGTTGGCCCC-3'
Protein context (NP_000395.3, residues 287-307): EAVASSLYDI[Leu297Arg]ARGASVNLYM

ClinVar aggregate classification (germline): Uncertain significance (1 of 4 stars; one submission).

Conditions:
Infantile GM1 gangliosidosis. Also called: Gangliosidosis, Generalized GM1, Type 1; GM1 gangliosidosis type 1; GM1-gangliosidosis, type I; Gangliosidosis, generalized GM1, infantile form; GLB1 deficiency. Identifiers: Orphanet 354, Orphanet 79255, MedGen C0268271, MONDO:0009260, OMIM 230500.
Inborn genetic diseases. Identifiers: MedGen C0950123, MeSH D030342.

Submission:

Ambry Genetics
Classification: Uncertain significance for Inborn genetic diseases. Last evaluated: 2025-08-11. Review status: criteria provided, single submitter. Criteria: Ambry Variant Classification Scheme 2023. Collection method: clinical testing. Allele origin: germline.